The following is an entry in ClinVar:

ClinVar aggregate classification (germline): Uncertain significance (1 of 4 stars; one submission).

gnomAD v4.1: 1 of 1,612,862 alleles (0.000062%); highest among the groups gnomAD compares: Non-Finnish European, 0.000085%; no homozygotes.

Submission:

Labcorp Genetics (formerly Invitae), Labcorp
Classification: Uncertain significance. Last evaluated: 2025-12-03. Review status: criteria provided, single submitter. Criteria: Invitae Variant Classification Sherloc (09022015). Collection method: clinical testing. Allele origin: germline.
Comment: This sequence change replaces lysine, which is basic and polar, with glutamic acid, which is acidic and polar, at codon 283 of the CFH protein (p.Lys283Glu). This variant is present in population databases (rs747978553, gnomAD 0.0009%). This variant has not been reported in the literature in individuals affected with CFH-related conditions. An algorithm developed to predict the effect of missense changes on protein structure and function (PolyPhen-2) suggests that this variant is likely to be tolerated. In summary, the available evidence is currently insufficient to determine the role of this variant in disease. Therefore, it has been classified as a Variant of Uncertain Significance.

NM_000186.4(CFH):c.847A>G (p.Lys283Glu)

Gene: CFH (complement factor H; plus strand). Cytogenetic location: 1q31.3.
Variant type: single nucleotide variant.
Coding change: c.847A>G on transcript NM_000186.4 (MANE Select); coding-DNA position 847, A replaced by G.
Protein change: p.Lys283Glu; replaces lysine 283 with glutamic acid.
Molecular consequence: missense variant.
Genome position (GRCh38, 1-based): chr1:196,685,120, A>G. VCF-style: chr1-196685120-A-G. GRCh37 (hg19) VCF-style: chr1-196654250-A-G.
Other names: c.847A>G, p.Lys283Glu (NM_001014975.3); short protein forms K283E.
Identifiers: ClinVar variation 4773278 (VCV004773278.1).